The following is an entry in ClinVar:

ClinVar aggregate classification (germline): Conflicting classifications of pathogenicity. Review status: criteria provided, conflicting classifications (1 of 4 stars). 2 submissions from 2 submitters: Likely pathogenic (1); Uncertain significance (1). Last evaluated 2025-01-06.

Conditions:
Hypercalcemia, infantile, 2 (HCINF2). Identifiers: Orphanet 300547, MedGen C4310473, MONDO:0014851, OMIM 616963.

gnomAD v4.1: 9 of 1,613,686 alleles (0.00056%); highest among the groups gnomAD compares: Non-Finnish European, 0.00076%; no homozygotes.

Submissions (2):

MVZ Medizinische Genetik Mainz
Classification: Likely pathogenic for Hypercalcemia, infantile, 2. Last evaluated: 2025-01-06. Review status: criteria provided, single submitter. Criteria: UK Practice Guidelines For Variant Classification V4 01 2020. Collection method: clinical testing. Allele origin: germline. Inheritance: Autosomal recessive inheritance. Affected: yes. Observed: 1 variant allele.
Comment: ACMG Criteria: PP3_STR,PM3,PM2_SUP,PP4; Compound Heterozygote

Labcorp Genetics (formerly Invitae), Labcorp
Classification: Uncertain significance. Last evaluated: 2024-12-18. Review status: criteria provided, single submitter. Criteria: Invitae Variant Classification Sherloc (09022015). Collection method: clinical testing. Allele origin: germline.
Comment: This sequence change replaces glycine, which is neutral and non-polar, with arginine, which is basic and polar, at codon 194 of the SLC34A1 protein (p.Gly194Arg). This variant is present in population databases (no rsID available, gnomAD 0.0009%). This variant has not been reported in the literature in individuals affected with SLC34A1-related conditions. Invitae Evidence Modeling of protein sequence and biophysical properties (such as structural, functional, and spatial information, amino acid conservation, physicochemical variation, residue mobility, and thermodynamic stability) indicates that this missense variant is expected to disrupt SLC34A1 protein function with a positive predictive value of 80%. In summary, the available evidence is currently insufficient to determine the role of this variant in disease. Therefore, it has been classified as a Variant of Uncertain Significance.

NM_003052.5(SLC34A1):c.580G>C (p.Gly194Arg)

Gene: SLC34A1 (solute carrier family 34 member 1; plus strand). Cytogenetic location: 5q35.3.
Variant type: single nucleotide variant.
Coding change: c.580G>C on transcript NM_003052.5 (MANE Select); coding-DNA position 580, G replaced by C.
Protein change: p.Gly194Arg; replaces glycine 194 with arginine.
Molecular consequence: missense variant.
Genome position (GRCh38, 1-based): chr5:177,387,809, G>C. VCF-style: chr5-177387809-G-C. GRCh37 (hg19) VCF-style: chr5-176814810-G-C.
Other names: c.580G>C, p.Gly194Arg (NM_001167579.2); short protein forms G194R.
Identifiers: ClinVar variation 3601985 (VCV003601985.3).